The following is an entry in ClinVar:

NM_020433.5(JPH2):c.1942G>A (p.Ala648Thr)

Gene: JPH2 (junctophilin 2; minus strand). Cytogenetic location: 20q13.12.
Variant type: single nucleotide variant.
Coding change: c.1942G>A on transcript NM_020433.5 (MANE Select); coding-DNA position 1942, G replaced by A.
Protein change: p.Ala648Thr; replaces alanine 648 with threonine.
Molecular consequence: missense variant.
Genome position (GRCh38, 1-based): chr20:44,115,733, C>T on the plus strand (G>A on the coding strand, the complement: JPH2 is on the minus strand). VCF-style: chr20-44115733-C-T. GRCh37 (hg19) VCF-style: chr20-42744373-C-T.
Other names: short protein forms A648T.
Identifiers: ClinVar variation 2771156 (VCV002771156.3), dbSNP rs2072183941, ClinGen allele CA409099632.

ClinVar aggregate classification (germline): Uncertain significance (1 of 4 stars; one submission).

Conditions:
Hypertrophic cardiomyopathy. Also called: HYPERTROPHIC MYOCARDIOPATHY. Identifiers: Orphanet 217569, MedGen C0007194, MeSH D002312, MONDO:0005045, HP:0001639.

Allele frequency attached by ClinVar (database versions not stated): TOPMed 0.00001.
gnomAD v4.1: 1 of 1,613,596 alleles (0.000062%); highest among the groups gnomAD compares: Admixed American, 0.0017%; no homozygotes.

Submission:

Labcorp Genetics (formerly Invitae), Labcorp
Classification: Uncertain significance for Hypertrophic cardiomyopathy. Last evaluated: 2023-10-23. Review status: criteria provided, single submitter. Criteria: Invitae Variant Classification Sherloc (09022015). Collection method: clinical testing. Allele origin: germline.
Comment: This sequence change replaces alanine, which is neutral and non-polar, with threonine, which is neutral and polar, at codon 648 of the JPH2 protein (p.Ala648Thr). This variant is not present in population databases (gnomAD no frequency). This variant has not been reported in the literature in individuals affected with JPH2-related conditions. An algorithm developed to predict the effect of missense changes on protein structure and function (PolyPhen-2) suggests that this variant is likely to be tolerated. In summary, the available evidence is currently insufficient to determine the role of this variant in disease. Therefore, it has been classified as a Variant of Uncertain Significance.